The following is an entry in ClinVar:

NM_002691.4(POLD1):c.3070G>T (p.Ala1024Ser)

Gene: POLD1 (DNA polymerase delta 1, catalytic subunit; plus strand). Cytogenetic location: 19q13.33.
Variant type: single nucleotide variant.
Coding change: c.3070G>T on transcript NM_002691.4 (MANE Select); coding-DNA position 3070, G replaced by T.
Protein change: p.Ala1024Ser; replaces alanine 1024 with serine.
Molecular consequence: missense variant. On other transcripts: non-coding transcript variant (1).
Genome position (GRCh38, 1-based): chr19:50,417,047, G>T. VCF-style: chr19-50417047-G-T. GRCh37 (hg19) VCF-style: chr19-50920304-G-T.
Other names: c.3070G>T, p.Ala1024Ser (NM_001256849.1); c.3148G>T, p.Ala1050Ser (NM_001308632.1); short protein forms A1024S, A1050S.
Identifiers: ClinVar variation 3222729 (VCV003222729.1), dbSNP rs2122503417, ClinGen allele CA406987053.

ClinVar aggregate classification (germline): Uncertain significance (1 of 4 stars; one submission).

Conditions:
Hereditary cancer-predisposing syndrome. Also called: Tumor predisposition; Hereditary neoplastic syndrome; Hereditary Cancer Syndrome; Neoplastic Syndromes, Hereditary. Identifiers: Orphanet 140162, MedGen C0027672, MeSH D009386, MONDO:0015356.

Submission:

Ambry Genetics
Classification: Uncertain significance for Hereditary cancer-predisposing syndrome. Last evaluated: 2023-10-08. Review status: criteria provided, single submitter. Criteria: Ambry Variant Classification Scheme 2023. Collection method: clinical testing. Allele origin: germline.
Comment: The p.A1024S variant (also known as c.3070G>T), located in coding exon 24 of the POLD1 gene, results from a G to T substitution at nucleotide position 3070. The alanine at codon 1024 is replaced by serine, an amino acid with similar properties. This amino acid position is conserved. In addition, this alteration is predicted to be tolerated by in silico analysis. Since supporting evidence is limited at this time, the clinical significance of this alteration remains unclear.